The following is an entry in ClinVar:

NM_006379.5(SEMA3C):c.1508A>G (p.Asn503Ser)

Gene: SEMA3C (semaphorin 3C; minus strand). Cytogenetic location: 7q21.11.
Variant type: single nucleotide variant.
Coding change: c.1508A>G on transcript NM_006379.5 (MANE Select); coding-DNA position 1508, A replaced by G.
Protein change: p.Asn503Ser; replaces asparagine 503 with serine.
Molecular consequence: missense variant.
Genome position (GRCh38, 1-based): chr7:80,758,466, T>C on the plus strand (A>G on the coding strand, the complement: SEMA3C is on the minus strand). VCF-style: chr7-80758466-T-C. GRCh37 (hg19) VCF-style: chr7-80387782-T-C.
Other names: c.1562A>G, p.Asn521Ser (NM_001350120.2); c.1334A>G, p.Asn445Ser (NM_001350121.2); c.1508A>G (NM_006379.3); short protein forms N445S, N503S, N521S.
Identifiers: ClinVar variation 3349925 (VCV003349925.2).

ClinVar aggregate classification (germline): Uncertain significance. Review status: criteria provided, single submitter (1 of 4 stars). 2 submissions from 2 submitters: Uncertain significance (1). 1 of the submissions does not count toward it. Last evaluated 2025-06-03.

Conditions:
SEMA3C-related disorder. Also called: SEMA3C-related condition.

gnomAD v4.1: 8 of 1,613,932 alleles (0.0005%); highest among the groups gnomAD compares: East Asian, 0.0045%; no homozygotes.

Submissions (2):

Ambry Genetics
Classification: Uncertain significance. Last evaluated: 2025-06-03. Review status: criteria provided, single submitter. Criteria: Ambry Variant Classification Scheme 2023. Collection method: clinical testing. Allele origin: germline.

PreventionGenetics, part of Exact Sciences
Classification: Uncertain significance for SEMA3C-related condition. Last evaluated: 2024-03-27. Review status: no assertion criteria provided. Collection method: clinical testing. Allele origin: germline. Not counted in ClinVar's aggregate classification.
Comment: The SEMA3C c.1562A>G variant is predicted to result in the amino acid substitution p.Asn521Ser. To our knowledge, this variant has not been reported in the literature. This variant is reported in 0.0033% of alleles in individuals of South Asian descent in gnomAD. At this time, the clinical significance of this variant is uncertain due to the absence of conclusive functional and genetic evidence.